The following is an entry in ClinVar:

NM_001077350.3(NPRL3):c.983T>C (p.Leu328Pro)

Genes: HBA-LCR (alpha-globin locus control region; plus strand), NPRL3 (NPR3 like, GATOR1 complex subunit; minus strand). Cytogenetic location: 16p13.3.
Variant type: single nucleotide variant.
Coding change: c.983T>C on transcript NM_001077350.3 (MANE Select); coding-DNA position 983, T replaced by C.
Protein change: p.Leu328Pro; replaces leucine 328 with proline.
Molecular consequence: missense variant.
Genome position (GRCh38, 1-based): chr16:93,267, A>G on the plus strand (T>C on the coding strand, the complement: NPRL3 is on the minus strand). VCF-style: chr16-93267-A-G. GRCh37 (hg19) VCF-style: chr16-143265-A-G.
Other names: p.Leu328Pro; c.446T>C, p.Leu149Pro (NM_001039476.3); c.749T>C, p.Leu250Pro (NM_001243247.2); c.908T>C, p.Leu303Pro (NM_001243248.2, NM_001243249.2); short protein forms L149P, L250P, L303P, L328P.
Identifiers: ClinVar variation 3380335 (VCV003380335.1).

ClinVar aggregate classification (germline): Uncertain significance (1 of 4 stars; one submission).

gnomAD v4.1: 1 of 1,561,212 alleles (0.000064%); no homozygotes.

Submission:

Mayo Clinic Laboratories, Mayo Clinic
Classification: Uncertain significance. Last evaluated: 2024-01-16. Review status: criteria provided, single submitter. Criteria: ACMG Guidelines, 2015. Collection method: clinical testing. Allele origin: germline. Observed: 1 variant allele.
Comment: PP3, PM2_moderate